The following is an entry in ClinVar:

NM_001166114.2(PNPLA6):c.3398-7C>A

Gene: PNPLA6 (patatin like domain 6, lysophospholipase; plus strand). Cytogenetic location: 19p13.2.
Variant type: single nucleotide variant.
Coding change: c.3398-7C>A on transcript NM_001166114.2 (MANE Select); 7 bases into the intron before coding-DNA position 3398, C replaced by A.
Molecular consequence: intron variant.
Genome position (GRCh38, 1-based): chr19:7,558,843, C>A. VCF-style: chr19-7558843-C-A. GRCh37 (hg19) VCF-style: chr19-7623729-C-A.
Other names: c.3284-7C>A (NM_006702.5, NM_001166113.1); c.3203-7C>A (NM_001166112.2); c.3428-7C>A (NM_001166111.2).
Identifiers: ClinVar variation 2121958 (VCV002121958.4), dbSNP rs1425181024, ClinGen allele CA884241112.
Genomic context (GRCh38, chr19:7,558,843, plus strand): 5'-ACTGGGTTGAACATCTCTGCCCCGGGCCCCCGAGGGGAGCAGCCCGCTGACCCCCCTGGC[C>A]CCACAGCGGACATCGCCCGCAGCATGGGTGCCAAAACGGTCATCGCCATTGACGTGGGGA-3'

ClinVar aggregate classification (germline): Uncertain significance (1 of 4 stars; one submission).

Conditions:
Hereditary spastic paraplegia 39 (SPG39). Also called: Spastic Paraplegia Type 39 (SPG39); SPASTIC PARAPLEGIA 39, AUTOSOMAL RECESSIVE. Identifiers: Orphanet 139480, MedGen C2677586, MONDO:0012787, OMIM 612020.

Allele frequency attached by ClinVar (database versions not stated): TOPMed below 0.00001; gnomAD 0.00001.
gnomAD v4.1: 1 of 1,603,666 alleles (0.000062%); highest among the groups gnomAD compares: Admixed American, 0.0017%; no homozygotes.

Submission:

Labcorp Genetics (formerly Invitae), Labcorp
Classification: Uncertain significance for Hereditary spastic paraplegia 39. Last evaluated: 2024-02-24. Review status: criteria provided, single submitter. Criteria: Invitae Variant Classification Sherloc (09022015). Collection method: clinical testing. Allele origin: germline.
Comment: This sequence change falls in intron 30 of the PNPLA6 gene. It does not directly change the encoded amino acid sequence of the PNPLA6 protein. This variant is not present in population databases (gnomAD no frequency). This variant has not been reported in the literature in individuals affected with PNPLA6-related conditions. ClinVar contains an entry for this variant (Variation ID: 2121958). Algorithms developed to predict the effect of sequence changes on RNA splicing suggest that this variant may disrupt the consensus splice site. In summary, the available evidence is currently insufficient to determine the role of this variant in disease. Therefore, it has been classified as a Variant of Uncertain Significance.